The following is an entry in ClinVar:

ClinVar aggregate classification (germline): Pathogenic (1 of 4 stars; one submission).

Submission:

GeneDx
Classification: Pathogenic. Last evaluated: 2024-09-17. Review status: criteria provided, single submitter. Criteria: GeneDx Variant Classification Process June 2021. Collection method: clinical testing. Allele origin: germline. Affected: yes.
Comment: Reported in a patient with borderline intellectual disability and schizophrenia in the published literature (PMID: 33526774); Nonsense variant predicted to result in protein truncation or nonsense mediated decay in a gene for which loss of function is a known mechanism of disease; Not observed at significant frequency in large population cohorts (gnomAD); This variant is associated with the following publications: (PMID: 33526774)

NM_001003694.2(BRPF1):c.3346C>T (p.Arg1116Ter)

Gene: BRPF1 (bromodomain and PHD finger containing 1; plus strand). Cytogenetic location: 3p25.3.
Variant type: single nucleotide variant.
Coding change: c.3346C>T on transcript NM_001003694.2 (MANE Select); coding-DNA position 3346, C replaced by T.
Protein change: p.Arg1116Ter; replaces arginine 1116 with a stop codon.
Molecular consequence: nonsense. On other transcripts: non-coding transcript variant (1).
Genome position (GRCh38, 1-based): chr3:9,746,321, C>T. VCF-style: chr3-9746321-C-T. GRCh37 (hg19) VCF-style: chr3-9788005-C-T.
Other names: c.3043C>T, p.Arg1015Ter (NM_001319049.2); c.3325C>T, p.Arg1109Ter (NM_001319050.2); c.3343C>T, p.Arg1115Ter (NM_001410704.1); c.3328C>T, p.Arg1110Ter (NM_004634.3); short protein forms R1015*, R1109*, R1110*, R1115*, R1116*.
Identifiers: ClinVar variation 2505774 (VCV002505774.2), dbSNP rs2471519931, ClinGen allele CA351705392.